The following is an entry in ClinVar:

ClinVar aggregate classification (germline): Uncertain significance (1 of 4 stars; one submission).

Conditions:
Neuronal ceroid lipofuscinosis. Also called: Neuronal Ceroid Lipofuscinoses. Identifiers: Orphanet 216, Orphanet 79263, MedGen C0027877, MONDO:0016295. Disease mechanism: loss of function.

Allele frequency attached by ClinVar (database versions not stated): ESP Exome Variant Server 0.00008.
gnomAD v4.1: 1 of 1,613,822 alleles (0.000062%); highest among the groups gnomAD compares: Non-Finnish European, 0.000085%; no homozygotes.

Submission:

Labcorp Genetics (formerly Invitae), Labcorp
Classification: Uncertain significance for Neuronal ceroid lipofuscinosis. Last evaluated: 2021-11-01. Review status: criteria provided, single submitter. Criteria: Invitae Variant Classification Sherloc (09022015). Collection method: clinical testing. Allele origin: germline.
Comment: This sequence change replaces leucine, which is neutral and non-polar, with phenylalanine, which is neutral and non-polar, at codon 162 of the CLN5 protein (p.Leu162Phe). This variant also falls at the last nucleotide of exon 2, which is part of the consensus splice site for this exon. This variant is not present in population databases (gnomAD no frequency). This variant has not been reported in the literature in individuals affected with CLN5-related conditions. ClinVar contains an entry for this variant (Variation ID: 1026873). Algorithms developed to predict the effect of missense changes on protein structure and function output the following: SIFT: "Tolerated"; PolyPhen-2: "Benign"; Align-GVGD: "Class C0". The phenylalanine amino acid residue is found in multiple mammalian species, which suggests that this missense change does not adversely affect protein function. Variants that disrupt the consensus splice site are a relatively common cause of aberrant splicing (PMID: 17576681, 9536098). Algorithms developed to predict the effect of sequence changes on RNA splicing suggest that this variant may disrupt the consensus splice site. In summary, the available evidence is currently insufficient to determine the role of this variant in disease. Therefore, it has been classified as a Variant of Uncertain Significance.

Literature cited by the submitters: PubMed 17576681; PubMed 9536098.

NM_006493.4(CLN5):c.339G>C (p.Leu113Phe)

Gene: CLN5 (CLN5 lysosomal BMP synthase; plus strand). Cytogenetic location: 13q22.3.
Variant type: single nucleotide variant.
Coding change: c.339G>C on transcript NM_006493.4 (MANE Select); coding-DNA position 339, G replaced by C.
Protein change: p.Leu113Phe; replaces leucine 113 with phenylalanine.
Molecular consequence: missense variant.
Genome position (GRCh38, 1-based): chr13:76,995,228, G>C. VCF-style: chr13-76995228-G-C. GRCh37 (hg19) VCF-style: chr13-77569363-G-C.
Other names: c.339G>C, p.Leu113Phe (NM_001366624.2); short protein forms L113F.
Identifiers: ClinVar variation 1026873 (VCV001026873.4), dbSNP rs147214555, ClinGen allele CA252176375.